The following is an entry in ClinVar:

ClinVar aggregate classification (germline): Uncertain significance (1 of 4 stars; one submission).

Conditions:
Arterial tortuosity syndrome (ATORS). Identifiers: Orphanet 3342, MedGen C1859726, MONDO:0008818, OMIM 208050.

Allele frequency attached by ClinVar (database versions not stated): gnomAD exomes below 0.00001.

Submission:

Labcorp Genetics (formerly Invitae), Labcorp
Classification: Uncertain significance for Arterial tortuosity syndrome. Last evaluated: 2023-10-13. Review status: criteria provided, single submitter. Criteria: Invitae Variant Classification Sherloc (09022015). Collection method: clinical testing. Allele origin: germline.
Comment: This sequence change replaces proline, which is neutral and non-polar, with alanine, which is neutral and non-polar, at codon 174 of the SLC2A10 protein (p.Pro174Ala). The frequency data for this variant in the population databases is considered unreliable, as metrics indicate poor data quality at this position in the gnomAD database. This variant has not been reported in the literature in individuals affected with SLC2A10-related conditions. ClinVar contains an entry for this variant (Variation ID: 1468131). Advanced modeling of protein sequence and biophysical properties (such as structural, functional, and spatial information, amino acid conservation, physicochemical variation, residue mobility, and thermodynamic stability) has been performed at Invitae for this missense variant, however the output from this modeling did not meet the statistical confidence thresholds required to predict the impact of this variant on SLC2A10 protein function. In summary, the available evidence is currently insufficient to determine the role of this variant in disease. Therefore, it has been classified as a Variant of Uncertain Significance.

NM_030777.4(SLC2A10):c.520C>G (p.Pro174Ala)

Gene: SLC2A10 (solute carrier family 2 member 10; plus strand). Cytogenetic location: 20q13.12.
Variant type: single nucleotide variant.
Coding change: c.520C>G on transcript NM_030777.4 (MANE Select); coding-DNA position 520, C replaced by G.
Protein change: p.Pro174Ala; replaces proline 174 with alanine.
Molecular consequence: missense variant.
Genome position (GRCh38, 1-based): chr20:46,725,556, C>G. VCF-style: chr20-46725556-C-G. GRCh37 (hg19) VCF-style: chr20-45354195-C-G.
Other names: short protein forms P174A.
Identifiers: ClinVar variation 1468131 (VCV001468131.8), dbSNP rs1271983394, ClinGen allele CA409267171.